The following is an entry in ClinVar:

ClinVar aggregate classification (germline): Uncertain significance (1 of 4 stars; one submission).

Submission:

Labcorp Genetics (formerly Invitae), Labcorp
Classification: Uncertain significance. Last evaluated: 2025-06-18. Review status: criteria provided, single submitter. Criteria: Invitae Variant Classification Sherloc (09022015). Collection method: clinical testing. Allele origin: germline.
Comment: This sequence change replaces arginine, which is basic and polar, with lysine, which is basic and polar, at codon 399 of the COL4A2 protein (p.Arg399Lys). This variant is not present in population databases (gnomAD no frequency). This variant has not been reported in the literature in individuals affected with COL4A2-related conditions. Invitae Evidence Modeling of protein sequence and biophysical properties (such as structural, functional, and spatial information, amino acid conservation, physicochemical variation, residue mobility, and thermodynamic stability) indicates that this missense variant is not expected to disrupt COL4A2 protein function with a negative predictive value of 95%. In summary, the available evidence is currently insufficient to determine the role of this variant in disease. Therefore, it has been classified as a Variant of Uncertain Significance.

NM_001846.4(COL4A2):c.1196G>A (p.Arg399Lys)

Gene: COL4A2 (collagen type IV alpha 2 chain; plus strand). Cytogenetic location: 13q34.
Variant type: single nucleotide variant.
Coding change: c.1196G>A on transcript NM_001846.4 (MANE Select); coding-DNA position 1196, G replaced by A.
Protein change: p.Arg399Lys; replaces arginine 399 with lysine.
Molecular consequence: missense variant.
Genome position (GRCh38, 1-based): chr13:110,450,311, G>A. VCF-style: chr13-110450311-G-A. GRCh37 (hg19) VCF-style: chr13-111102658-G-A.
Other names: short protein forms R399K.
Identifiers: ClinVar variation 4694939 (VCV004694939.1).